The following is an entry in ClinVar:

NM_000271.5(NPC1):c.1435_1438dup (p.Thr480fs)

Gene: NPC1 (NPC intracellular cholesterol transporter 1; minus strand). Cytogenetic location: 18q11.2.
Variant type: Duplication.
Coding change: c.1435_1438dup on transcript NM_000271.5 (MANE Select); coding-DNA positions 1435 to 1438, 4 bases duplicated (TGCA; older notation c.1435_1438dupTGCA).
Protein change: p.Thr480fs; shifts the reading frame from threonine 480.
Molecular consequence: frameshift variant.
Genome position (GRCh38, 1-based): chr18:23,554,873-23,554,876, TGCA duplicated on the plus strand (TGCA on the coding strand, the reverse complement: NPC1 is on the minus strand). VCF-style (leftmost placement, unchanged base first): chr18-23554872-G-GTGCA. GRCh37 (hg19) VCF-style: chr18-21134836-G-GTGCA.
Other names: short protein forms T480fs.
Identifiers: ClinVar variation 1451367 (VCV001451367.5), dbSNP rs2145447627, ClinGen allele CA2573155245.

ClinVar aggregate classification (germline): Pathogenic (1 of 4 stars; one submission).

Conditions:
Niemann-Pick disease, type C1. Also called: NIEMANN-PICK DISEASE, VARIANT TYPE C1; NEUROVISCERAL STORAGE DISEASE WITH VERTICAL SUPRANUCLEAR OPHTHALMOPLEGIA; NIEMANN-PICK DISEASE WITH CHOLESTEROL ESTERIFICATION BLOCK; NIEMANN-PICK DISEASE WITHOUT SPHINGOMYELINASE DEFICIENCY; NIEMANN-PICK DISEASE, CHRONIC NEURONOPATHIC FORM. Identifiers: Orphanet 646, MedGen C3179455, MONDO:0009757, OMIM 257220.

Submission:

Labcorp Genetics (formerly Invitae), Labcorp
Classification: Pathogenic for Niemann-Pick disease, type C1. Last evaluated: 2021-05-07. Review status: criteria provided, single submitter. Criteria: Invitae Variant Classification Sherloc (09022015). Collection method: clinical testing. Allele origin: germline.
Comment: This sequence change creates a premature translational stop signal (p.Thr480Metfs*47) in the NPC1 gene. It is expected to result in an absent or disrupted protein product. Loss-of-function variants in NPC1 are known to be pathogenic (PMID: 9211850). This variant is not present in population databases (ExAC no frequency). This variant has not been reported in the literature in individuals with NPC1-related conditions. For these reasons, this variant has been classified as Pathogenic.

Literature cited by the submitters: PubMed 9211850.